The following is an entry in ClinVar:

ClinVar aggregate classification (germline): Uncertain significance (1 of 4 stars; one submission).

Submission:

Labcorp Genetics (formerly Invitae), Labcorp
Classification: Uncertain significance. Last evaluated: 2025-10-04. Review status: criteria provided, single submitter. Criteria: Invitae Variant Classification Sherloc (09022015). Collection method: clinical testing. Allele origin: germline.
Comment: This sequence change replaces serine, which is neutral and polar, with phenylalanine, which is neutral and non-polar, at codon 410 of the SETBP1 protein (p.Ser410Phe). This variant is not present in population databases (gnomAD no frequency). This variant has not been reported in the literature in individuals affected with SETBP1-related conditions. Invitae Evidence Modeling of protein sequence and biophysical properties (such as structural, functional, and spatial information, amino acid conservation, physicochemical variation, residue mobility, and thermodynamic stability) indicates that this missense variant is not expected to disrupt SETBP1 protein function with a negative predictive value of 80%. In summary, the available evidence is currently insufficient to determine the role of this variant in disease. Therefore, it has been classified as a Variant of Uncertain Significance.

NM_015559.3(SETBP1):c.1229C>T (p.Ser410Phe)

Gene: SETBP1 (SET binding protein 1; plus strand). Cytogenetic location: 18q12.3.
Variant type: single nucleotide variant.
Coding change: c.1229C>T on transcript NM_015559.3 (MANE Select); coding-DNA position 1229, C replaced by T.
Protein change: p.Ser410Phe; replaces serine 410 with phenylalanine.
Molecular consequence: missense variant.
Genome position (GRCh38, 1-based): chr18:44,950,569, C>T. VCF-style: chr18-44950569-C-T. GRCh37 (hg19) VCF-style: chr18-42530534-C-T.
Other names: c.1229C>T, p.Ser410Phe (NM_001379141.1, NM_001379142.1, NM_001410862.1); short protein forms S410F.
Identifiers: ClinVar variation 4745399 (VCV004745399.1).